The following is an entry in ClinVar:

NC_000014.8:g.(?_64443261)_(64444755_?)del

Gene: SYNE2 (spectrin repeat containing nuclear envelope protein 2; plus strand). Cytogenetic location: 14q23.2.
Variant type: Deletion.
Identifiers: ClinVar variation 2427604 (VCV002427604.4).

ClinVar aggregate classification (germline): Uncertain significance (1 of 4 stars; one submission).

Conditions:
Emery-Dreifuss muscular dystrophy 5, autosomal dominant (EDMD5). Also called: EMERY-DREIFUSS MUSCULAR DYSTROPHY 5. Identifiers: Orphanet 261, MedGen C2751805, MONDO:0013072, OMIM 612999.

Submission:

Labcorp Genetics (formerly Invitae), Labcorp
Classification: Uncertain significance for Emery-Dreifuss muscular dystrophy 5, autosomal dominant. Last evaluated: 2022-06-24. Review status: criteria provided, single submitter. Criteria: Invitae Variant Classification Sherloc (09022015). Collection method: clinical testing. Allele origin: germline.
Comment: In summary, the available evidence is currently insufficient to determine the role of this variant in disease. Therefore, it has been classified as a Variant of Uncertain Significance. Experimental studies and prediction algorithms are not available or were not evaluated, and the functional significance of this variant is currently unknown. This variant has not been reported in the literature in individuals affected with SYNE2-related conditions. This variant is a gross deletion of the genomic region encompassing exon(s) 12-13 of the SYNE2 gene. This deletion is out-of-frame, and is expected to create a premature translational stop signal and result in an absent or disrupted protein product. However, the current clinical and genetic evidence is not sufficient to establish whether loss-of-function variants in SYNE2 cause disease.